The following is an entry in ClinVar:

ClinVar aggregate classification (germline): Likely benign. Review status: criteria provided, single submitter (1 of 4 stars). 2 submissions from 2 submitters: Likely benign (1). 1 of the submissions does not count toward it. Last evaluated 2022-08-09.

Conditions:
MYO5A-related disorder. Also called: MYO5A-related condition.

Allele frequency attached by ClinVar (database versions not stated): gnomAD 0.00005 and 0.00006; gnomAD exomes 0.00009 and 0.00012; TOPMed 0.00009; ExAC 0.00011.
gnomAD v4.1: 150 of 1,614,092 alleles (0.0093%); highest among the groups gnomAD compares: Middle Eastern, 0.033%; no homozygotes.

Submissions (2):

Labcorp Genetics (formerly Invitae), Labcorp
Classification: Likely benign. Last evaluated: 2022-08-09. Review status: criteria provided, single submitter. Criteria: Invitae Variant Classification Sherloc (09022015). Collection method: clinical testing. Allele origin: germline.

PreventionGenetics, part of Exact Sciences
Classification: Likely benign for MYO5A-related condition. Last evaluated: 2024-09-03. Review status: no assertion criteria provided. Collection method: clinical testing. Allele origin: germline. Not counted in ClinVar's aggregate classification.
Comment: This variant is classified as likely benign based on ACMG/AMP sequence variant interpretation guidelines (Richards et al. 2015 PMID: 25741868, with internal and published modifications).

NM_001382347.1(MYO5A):c.4904A>T (p.Tyr1635Phe)

Gene: MYO5A (myosin VA; minus strand). Cytogenetic location: 15q21.2.
Variant type: single nucleotide variant.
Coding change: c.4904A>T on transcript NM_001382347.1 (MANE Select); coding-DNA position 4904, A replaced by T.
Protein change: p.Tyr1635Phe; replaces tyrosine 1635 with phenylalanine.
Molecular consequence: missense variant.
Genome position (GRCh38, 1-based): chr15:52,321,406, T>A on the plus strand (A>T on the coding strand, the complement: MYO5A is on the minus strand). VCF-style: chr15-52321406-T-A. GRCh37 (hg19) VCF-style: chr15-52613603-T-A.
Other names: c.4829A>T, p.Tyr1610Phe (NM_000259.3); c.4748A>T, p.Tyr1583Phe (NM_001142495.2); c.4976A>T, p.Tyr1659Phe (NM_001382348.1); c.4901A>T, p.Tyr1634Phe (NM_001382349.1); short protein forms Y1583F, Y1610F, Y1634F, Y1635F, Y1659F.
Identifiers: ClinVar variation 793012 (VCV000793012.8), dbSNP rs757170130, ClinGen allele CA7567998.